The following is an entry in ClinVar:

ClinVar aggregate classification (germline): Uncertain significance. Review status: criteria provided, multiple submitters, no conflicts (2 of 4 stars). 2 submissions from 2 submitters: Uncertain significance (2). Last evaluated 2025-07-31.

Conditions:
Inborn genetic diseases. Identifiers: MedGen C0950123, MeSH D030342.

Allele frequency attached by ClinVar (database versions not stated): gnomAD 0.00002; gnomAD exomes 0.00002; TOPMed 0.00002.

Submissions (2):

Ambry Genetics
Classification: Uncertain significance for Inborn genetic diseases. Last evaluated: 2025-07-31. Review status: criteria provided, single submitter. Criteria: Ambry Variant Classification Scheme 2023. Collection method: clinical testing. Allele origin: germline.

Labcorp Genetics (formerly Invitae), Labcorp
Classification: Uncertain significance. Last evaluated: 2024-10-15. Review status: criteria provided, single submitter. Criteria: Invitae Variant Classification Sherloc (09022015). Collection method: clinical testing. Allele origin: germline.
Comment: This sequence change replaces glutamic acid, which is acidic and polar, with lysine, which is basic and polar, at codon 486 of the WNK4 protein (p.Glu486Lys). This variant is present in population databases (rs765059808, gnomAD 0.002%). This variant has not been reported in the literature in individuals affected with WNK4-related conditions. ClinVar contains an entry for this variant (Variation ID: 1933498). Invitae Evidence Modeling of protein sequence and biophysical properties (such as structural, functional, and spatial information, amino acid conservation, physicochemical variation, residue mobility, and thermodynamic stability) indicates that this missense variant is not expected to disrupt WNK4 protein function with a negative predictive value of 95%. In summary, the available evidence is currently insufficient to determine the role of this variant in disease. Therefore, it has been classified as a Variant of Uncertain Significance.

NM_032387.5(WNK4):c.1456G>A (p.Glu486Lys)

Gene: WNK4 (WNK lysine deficient protein kinase 4; plus strand). Cytogenetic location: 17q21.2.
Variant type: single nucleotide variant.
Coding change: c.1456G>A on transcript NM_032387.5 (MANE Select); coding-DNA position 1456, G replaced by A.
Protein change: p.Glu486Lys; replaces glutamic acid 486 with lysine.
Molecular consequence: missense variant.
Genome position (GRCh38, 1-based): chr17:42,785,462, G>A. VCF-style: chr17-42785462-G-A. GRCh37 (hg19) VCF-style: chr17-40937480-G-A.
Other names: c.448G>A, p.Glu150Lys (NM_001321299.2); c.1456G>A (NM_032387.4); short protein forms E486K, E150K.
Identifiers: ClinVar variation 1933498 (VCV001933498.6), dbSNP rs765059808, ClinGen allele CA8583990.
Genomic context (GRCh38, chr17:42,785,462, plus strand): 5'-GGGCGCCCACGGGACAACCAGGCCATCGAGTTCCTGTTCCAGCTGGGCCGGGACGCGGCC[G>A]AGGAGGTGGCACAGGAGATGGTGAGCGGAGGACAGACTGTGCTGCCACTGGACGTGTAAA-3'
Protein context (NP_115763.2, residues 476-496): FLFQLGRDAA[Glu486Lys]EVAQEMVALG